The following is an entry in ClinVar:

ClinVar aggregate classification (germline): Uncertain significance. Review status: criteria provided, single submitter (1 of 4 stars). 2 submissions from 2 submitters: Uncertain significance (1). 1 of the submissions does not count toward it. Last evaluated 2021-08-09.

Conditions:
EPB41L1-related disorder. Also called: EPB41L1-related condition.

Allele frequency attached by ClinVar (database versions not stated): gnomAD exomes 0.00002; ExAC 0.00005; ESP Exome Variant Server 0.00015; gnomAD 0.00017; TOPMed 0.00022.

Submissions (2):

Ambry Genetics
Classification: Uncertain significance. Last evaluated: 2021-08-09. Review status: criteria provided, single submitter. Criteria: Ambry Variant Classification Scheme 2023. Collection method: clinical testing. Allele origin: germline.

PreventionGenetics, part of Exact Sciences
Classification: Likely benign for EPB41L1-related condition. Last evaluated: 2023-03-28. Review status: no assertion criteria provided. Collection method: clinical testing. Allele origin: germline. Not counted in ClinVar's aggregate classification.
Comment: This variant is classified as likely benign based on ACMG/AMP sequence variant interpretation guidelines (Richards et al. 2015 PMID: 25741868, with internal and published modifications).

NM_012156.2(EPB41L1):c.112G>A (p.Gly38Ser)

Gene: EPB41L1 (erythrocyte membrane protein band 4.1 like 1; plus strand). Cytogenetic location: 20q11.23.
Variant type: single nucleotide variant.
Coding change: c.112G>A on transcript NM_012156.2 (MANE Select); coding-DNA position 112, G replaced by A.
Protein change: p.Gly38Ser; replaces glycine 38 with serine.
Molecular consequence: missense variant. On other transcripts: intron variant (3).
Genome position (GRCh38, 1-based): chr20:36,173,889, G>A. VCF-style: chr20-36173889-G-A. GRCh37 (hg19) VCF-style: chr20-34761811-G-A.
Other names: c.112G>A, p.Gly38Ser (NM_001258329.1); c.-9-1662G>A (NM_001258331.2, NM_177996.2); c.85-1662G>A (NM_001258330.1); short protein forms G38S.
Identifiers: ClinVar variation 2397829 (VCV002397829.4), dbSNP rs145893462, ClinGen allele CA9839505.
Genomic context (GRCh38, chr20:36,173,889, plus strand): 5'-GCCCCGCAGCAGCCCGAGGCTGCTGCCGCTGTGACCACCCCTGTGACCCCTGCAGGCCAC[G>A]GCCACCCAGAGGCCAACTCCAATGAGAAGCATCCATCCCAGCAGGACACGCGGCCTGCTG-3'
Protein context (NP_036288.2, residues 28-48): VTTPVTPAGH[Gly38Ser]HPEANSNEKH